The following is an entry in ClinVar:

NM_006846.4(SPINK5):c.2599A>G (p.Asn867Asp)

Gene: SPINK5 (serine peptidase inhibitor Kazal type 5; plus strand). Cytogenetic location: 5q32.
Variant type: single nucleotide variant.
Coding change: c.2599A>G on transcript NM_006846.4 (MANE Select); coding-DNA position 2599, A replaced by G.
Protein change: p.Asn867Asp; replaces asparagine 867 with aspartic acid.
Molecular consequence: missense variant.
Genome position (GRCh38, 1-based): chr5:148,123,893, A>G. VCF-style: chr5-148123893-A-G. GRCh37 (hg19) VCF-style: chr5-147503456-A-G.
Other names: c.2599A>G, p.Asn867Asp (NM_001127698.2, NM_001127699.2); short protein forms N867D.
Identifiers: ClinVar variation 1717928 (VCV001717928.6), dbSNP rs1385705657, ClinGen allele CA361647769.

ClinVar aggregate classification (germline): Uncertain significance (1 of 4 stars; one submission).

Conditions:
Ichthyosis linearis circumflexa. Identifiers: MedGen C0265962, MONDO:0043106, HP:0025810.

Allele frequency attached by ClinVar (database versions not stated): gnomAD exomes below 0.00001; TOPMed below 0.00001.
gnomAD v4.1: 2 of 1,614,066 alleles (0.00012%); highest among the groups gnomAD compares: African/African-American, 0.0013%; no homozygotes.

Submission:

Labcorp Genetics (formerly Invitae), Labcorp
Classification: Uncertain significance for Ichthyosis linearis circumflexa. Last evaluated: 2022-08-24. Review status: criteria provided, single submitter. Criteria: Invitae Variant Classification Sherloc (09022015). Collection method: clinical testing. Allele origin: germline.
Comment: This sequence change replaces asparagine, which is neutral and polar, with aspartic acid, which is acidic and polar, at codon 867 of the SPINK5 protein (p.Asn867Asp). In summary, the available evidence is currently insufficient to determine the role of this variant in disease. Therefore, it has been classified as a Variant of Uncertain Significance. Algorithms developed to predict the effect of missense changes on protein structure and function are either unavailable or do not agree on the potential impact of this missense change (SIFT: "Deleterious"; PolyPhen-2: "Probably Damaging"; Align-GVGD: "Class C0"). This variant has not been reported in the literature in individuals affected with SPINK5-related conditions. This variant is present in population databases (no rsID available, gnomAD 0.007%).